The following is an entry in ClinVar:

NC_000011.9:g.(?_47348153)_(47353429_?)del

Genes: MADD (MAP kinase activating death domain; plus strand), MYBPC3 (myosin binding protein C3; minus strand). Cytogenetic location: 11p11.2.
Variant type: Deletion.
Identifiers: ClinVar variation 1438488 (VCV001438488.5).

ClinVar aggregate classification (germline): Uncertain significance (1 of 4 stars; one submission).

Conditions:
Hypertrophic cardiomyopathy. Also called: HYPERTROPHIC MYOCARDIOPATHY. Identifiers: Orphanet 217569, MedGen C0007194, MeSH D002312, MONDO:0005045, HP:0001639.

Submission:

Labcorp Genetics (formerly Invitae), Labcorp
Classification: Uncertain significance for Hypertrophic cardiomyopathy. Last evaluated: 2022-10-17. Review status: criteria provided, single submitter. Criteria: Invitae Variant Classification Sherloc (09022015). Collection method: clinical testing. Allele origin: germline.
Comment: In summary, the available evidence is currently insufficient to determine the role of this variant in disease. Therefore, it has been classified as a Variant of Uncertain Significance. This variant has not been reported in the literature in individuals affected with MYBPC3-related conditions. This variant results in the deletion of exon 35 and part of exon 34 (c.3817_*5140del) of the MYBPC3 gene. While this deletion is not anticipated to lead to nonsense mediated decay, it is expected to alter mRNA translation or result in a truncated protein product.